The following is an entry in ClinVar:

ClinVar aggregate classification (germline): Uncertain significance (1 of 4 stars; one submission).

Conditions:
Inborn genetic diseases. Identifiers: MedGen C0950123, MeSH D030342.

gnomAD v4.1: 1 of 1,608,292 alleles (0.000062%); highest among the groups gnomAD compares: Non-Finnish European, 0.000085%; no homozygotes.

Submission:

Ambry Genetics
Classification: Uncertain significance for Inborn genetic diseases. Last evaluated: 2026-02-16. Review status: criteria provided, single submitter. Criteria: Ambry Variant Classification Scheme 2023. Collection method: clinical testing. Allele origin: germline.
Comment: The p.K908E variant (also known as c.2722A>G), located in coding exon 24 of the ANKRD26 gene, results from an A to G substitution at nucleotide position 2722. The lysine at codon 908 is replaced by glutamic acid, an amino acid with similar properties. This amino acid position is conserved. In addition, this alteration is predicted to be tolerated by in silico analysis. Based on the available evidence, the clinical significance of this variant remains unclear.

NM_014915.3(ANKRD26):c.2722A>G (p.Lys908Glu)

Gene: ANKRD26 (ankyrin repeat domain 26; minus strand). Cytogenetic location: 10p12.1.
Variant type: single nucleotide variant.
Coding change: c.2722A>G on transcript NM_014915.3 (MANE Select); coding-DNA position 2722, A replaced by G.
Protein change: p.Lys908Glu; replaces lysine 908 with glutamic acid.
Molecular consequence: missense variant.
Genome position (GRCh38, 1-based): chr10:27,035,728, T>C on the plus strand (A>G on the coding strand, the complement: ANKRD26 is on the minus strand). VCF-style: chr10-27035728-T-C. GRCh37 (hg19) VCF-style: chr10-27324657-T-C.
Other names: c.2719A>G, p.Lys907Glu (NM_001256053.2); short protein forms K908E, K907E.
Identifiers: ClinVar variation 4845143 (VCV004845143.1).